The following is an entry in ClinVar:

ClinVar aggregate classification (germline): Likely pathogenic (1 of 4 stars; one submission).

Submission:

Labcorp Genetics (formerly Invitae), Labcorp
Classification: Likely pathogenic. Last evaluated: 2023-02-16. Review status: criteria provided, single submitter. Criteria: Invitae Variant Classification Sherloc (09022015). Collection method: clinical testing. Allele origin: germline.
Comment: This sequence change affects a donor splice site in intron 23 of the LAMA3 gene. It is expected to disrupt RNA splicing. Variants that disrupt the donor or acceptor splice site typically lead to a loss of protein function (PMID: 16199547), and loss-of-function variants in LAMA3 are known to be pathogenic (PMID: 10366601, 11810295, 12915477, 16473856, 17362460, 22434185, 23869449, 27827380, 28087116). This variant is not present in population databases (gnomAD no frequency). This variant has not been reported in the literature in individuals affected with LAMA3-related conditions. Algorithms developed to predict the effect of sequence changes on RNA splicing suggest that this variant may disrupt the consensus splice site. In summary, the currently available evidence indicates that the variant is pathogenic, but additional data are needed to prove that conclusively. Therefore, this variant has been classified as Likely Pathogenic.

Literature cited by the submitters: PubMed 16199547; PubMed 10366601; PubMed 11810295; PubMed 12915477; PubMed 16473856; PubMed 17362460; PubMed 22434185; PubMed 23869449; PubMed 27827380; PubMed 28087116.

NM_198129.4(LAMA3):c.7923+2T>C

Gene: LAMA3 (laminin subunit alpha 3; plus strand). Cytogenetic location: 18q11.2.
Variant type: single nucleotide variant.
Coding change: c.7923+2T>C on transcript NM_198129.4 (MANE Select); the canonical splice donor site of the intron after coding-DNA position 7923, T replaced by C.
Molecular consequence: splice donor variant.
Genome position (GRCh38, 1-based): chr18:23,916,697, T>C. VCF-style: chr18-23916697-T-C. GRCh37 (hg19) VCF-style: chr18-21496661-T-C.
Other names: c.7755+2T>C (NM_001127717.4); c.3096+2T>C (NM_000227.6); c.2928+2T>C (NM_001127718.4).
Identifiers: ClinVar variation 2837858 (VCV002837858.3), dbSNP rs1599091162, ClinGen allele CA402060237.
Genomic context (GRCh38, chr18:23,916,697, plus strand): 5'-TTGGACAGACAATTCAGACCACCGTGGATAGAGGCTTGCTGTTCTTTGCAGAAAACGGGG[T>C]AATCTATAACAAGCATCCAGATACAACCAAATATATTCATTCTGTTTAGCAATTTGGAGA-3'